The following is an entry in ClinVar:

NM_004859.4(CLTC):c.4348C>T (p.Pro1450Ser)

Genes: CLTC (clathrin heavy chain; plus strand), LOC126862609 (CDK7 strongly-dependent group 2 enhancer GRCh37_chr17:57760547-57761746; plus strand). Cytogenetic location: 17q23.1.
Variant type: single nucleotide variant.
Coding change: c.4348C>T on transcript NM_004859.4 (MANE Select); coding-DNA position 4348, C replaced by T.
Protein change: p.Pro1450Ser; replaces proline 1450 with serine.
Molecular consequence: missense variant.
Genome position (GRCh38, 1-based): chr17:59,683,899, C>T. VCF-style: chr17-59683899-C-T. GRCh37 (hg19) VCF-style: chr17-57761260-C-T.
Other names: c.4360C>T, p.Pro1454Ser (NM_001288653.2); short protein forms P1454S, P1450S.
Identifiers: ClinVar variation 4778034 (VCV004778034.1).

ClinVar aggregate classification (germline): Uncertain significance (1 of 4 stars; one submission).

gnomAD v4.1: 2 of 1,613,766 alleles (0.00012%); highest among the groups gnomAD compares: Admixed American, 0.0017%; no homozygotes.

Submission:

Labcorp Genetics (formerly Invitae), Labcorp
Classification: Uncertain significance. Last evaluated: 2026-01-22. Review status: criteria provided, single submitter. Criteria: Invitae Variant Classification Sherloc (09022015). Collection method: clinical testing. Allele origin: germline.
Comment: This sequence change replaces proline, which is neutral and non-polar, with serine, which is neutral and polar, at codon 1454 of the CLTC protein (p.Pro1454Ser). This variant is present in population databases (no rsID available, gnomAD 0.003%). This variant has not been reported in the literature in individuals affected with CLTC-related conditions. Invitae Evidence Modeling of protein sequence and biophysical properties (such as structural, functional, and spatial information, amino acid conservation, physicochemical variation, residue mobility, and thermodynamic stability) indicates that this missense variant is not expected to disrupt CLTC protein function with a negative predictive value of 80%. In summary, the available evidence is currently insufficient to determine the role of this variant in disease. Therefore, it has been classified as a Variant of Uncertain Significance.